The following is an entry in ClinVar:

NM_001374736.1(DST):c.5672T>A (p.Leu1891Ter)

Gene: DST (dystonin; minus strand). Cytogenetic location: 6p12.1.
Variant type: single nucleotide variant.
Coding change: c.5672T>A on transcript NM_001374736.1 (MANE Select); coding-DNA position 5672, T replaced by A.
Protein change: p.Leu1891Ter; replaces leucine 1891 with a stop codon.
Molecular consequence: nonsense. On other transcripts: intron variant (6).
Genome position (GRCh38, 1-based): chr6:56,608,956, A>T on the plus strand (T>A on the coding strand, the complement: DST is on the minus strand). VCF-style: chr6-56608956-A-T. GRCh37 (hg19) VCF-style: chr6-56473754-A-T.
Other names: c.5672T>A, p.Leu1891Ter (NM_001374722.1); c.5039T>A, p.Leu1680Ter (NM_001374729.1); c.5699T>A, p.Leu1900Ter (NM_001374734.1); c.5184+1471T>A (NM_001144769.5); c.4770+1471T>A (NM_001144770.2); c.4650+1471T>A (NM_001374730.1, NM_001386100.1, NM_183380.4); c.3672+1471T>A (NM_015548.5); short protein forms L1680*, L1891*, L1900*.
Identifiers: ClinVar variation 4814212 (VCV004814212.1).

ClinVar aggregate classification (germline): Likely pathogenic (1 of 4 stars; one submission).

Conditions:
DST-related disorder. Also called: DST-related disorders; DST-related condition.

Submission:

Rady Children's Institute for Genomic Medicine, Rady Children's Hospital San Diego
Classification: Likely pathogenic for DST-related disorders. Last evaluated: 2026-01-03. Review status: criteria provided, single submitter. Criteria: ACMG Guidelines, 2015. Collection method: clinical testing. Allele origin: germline. Affected: yes.
Comment: This nonsense variant found in exon 40 of 104 is predicted to result in loss of normal protein function through either protein truncation or nonsense-mediated mRNA decay. Loss-of-function variation in DST exon 40 on transcript NM_001374736.1 is an established mechanism of disease for DST-related congenital myopathy (PMID: 40497796). This variant has not been previously reported or functionally characterized in the literature to our knowledge. The c.5672T>A (p.Leu1891Ter) variant is absent from the latest version of the gnomAD population database and thus is presumed to be rare. Based on the available evidence, c.5672T>A (p.Leu1891Ter) is classified as Likely Pathogenic.

Literature cited by the submitters: PubMed 40497796.